The following is an entry in ClinVar:

NM_001379291.1(BRD4):c.1424C>T (p.Pro475Leu)

Gene: BRD4 (bromodomain containing 4; minus strand). Cytogenetic location: 19p13.12.
Variant type: single nucleotide variant.
Coding change: c.1424C>T on transcript NM_001379291.1 (MANE Select); coding-DNA position 1424, C replaced by T.
Protein change: p.Pro475Leu; replaces proline 475 with leucine.
Molecular consequence: missense variant.
Genome position (GRCh38, 1-based): chr19:15,257,091, G>A on the plus strand (C>T on the coding strand, the complement: BRD4 is on the minus strand). VCF-style: chr19-15257091-G-A. GRCh37 (hg19) VCF-style: chr19-15367902-G-A.
Other names: c.1424C>T, p.Pro475Leu (NM_001330384.2, NM_001379292.1, NM_014299.3 and 1 more transcripts); short protein forms P475L.
Identifiers: ClinVar variation 2706929 (VCV002706929.3), dbSNP rs758153120, ClinGen allele CA9265369.

ClinVar aggregate classification (germline): Uncertain significance (1 of 4 stars; one submission).

Allele frequency attached by ClinVar (database versions not stated): gnomAD exomes 0.00001; gnomAD 0.00002; TOPMed 0.00002.

Submission:

Labcorp Genetics (formerly Invitae), Labcorp
Classification: Uncertain significance. Last evaluated: 2024-04-22. Review status: criteria provided, single submitter. Criteria: Invitae Variant Classification Sherloc (09022015). Collection method: clinical testing. Allele origin: germline.
Comment: This sequence change replaces proline, which is neutral and non-polar, with leucine, which is neutral and non-polar, at codon 475 of the BRD4 protein (p.Pro475Leu). This variant is present in population databases (rs758153120, gnomAD 0.009%). This variant has not been reported in the literature in individuals affected with BRD4-related conditions. An algorithm developed to predict the effect of missense changes on protein structure and function (PolyPhen-2) suggests that this variant is likely to be disruptive. In summary, the available evidence is currently insufficient to determine the role of this variant in disease. Therefore, it has been classified as a Variant of Uncertain Significance.